The following is an entry in ClinVar:

NM_000038.6(APC):c.2742T>C (p.Cys914=)

Gene: APC (APC regulator of Wnt signaling pathway; plus strand). Cytogenetic location: 5q22.2.
Variant type: single nucleotide variant.
Coding change: c.2742T>C on transcript NM_000038.6 (MANE Select); coding-DNA position 2742, T replaced by C.
Protein change: p.Cys914=; no amino-acid change (cysteine 914 retained).
Molecular consequence: synonymous variant.
Genome position (GRCh38, 1-based): chr5:112,838,336, T>C. VCF-style: chr5-112838336-T-C. GRCh37 (hg19) VCF-style: chr5-112174033-T-C.
Other names: c.2742T>C, p.Cys914= (NM_001127510.3, NM_001354895.2); c.2688T>C, p.Cys896= (NM_001127511.3); c.2796T>C, p.Cys932= (NM_001354896.2); c.2772T>C, p.Cys924= (NM_001354897.2); c.2667T>C, p.Cys889= (NM_001354898.2); c.2658T>C, p.Cys886= (NM_001354899.2); c.2619T>C, p.Cys873= (NM_001354900.2); c.2565T>C, p.Cys855= (NM_001354901.2); and 6 more.
Identifiers: ClinVar variation 1636608 (VCV001636608.10), dbSNP rs2149876401, ClinGen allele CA445962843.
Genomic context (GRCh38, chr5:112,838,336, plus strand): 5'-GTCAGCCATTCATACCTCTCAGGAAGACAGAAGTTCTGGGTCTACCACTGAATTACATTG[T>C]GTGACAGATGAGAGAAATGCACTTAGAAGAAGCTCTGCTGCCCATACACATTCAAACACT-3'
Protein context (NP_000029.2, residues 904-924): RSSGSTTELH[Cys914=]VTDERNALRR

ClinVar aggregate classification (germline): Benign/Likely benign. Review status: criteria provided, multiple submitters, no conflicts (2 of 4 stars). 3 submissions from 3 submitters: Benign (1); Likely benign (2). Last evaluated 2024-05-22.

Conditions:
Hereditary cancer-predisposing syndrome. Also called: Hereditary Cancer Syndrome; Neoplastic Syndromes, Hereditary; Tumor predisposition; Hereditary neoplastic syndrome. Identifiers: Orphanet 140162, MedGen C0027672, MeSH D009386, MONDO:0015356.
Familial adenomatous polyposis 1 (FAP1). Also called: FAMILIAL ADENOMATOUS POLYPOSIS 1, ATTENUATED; POLYPOSIS, ADENOMATOUS INTESTINAL. Identifiers: MedGen C2713442, MONDO:0021056, OMIM 175100. Disease mechanism: loss of function.

Submissions (3):

Ambry Genetics
Classification: Likely benign for Hereditary cancer-predisposing syndrome. Last evaluated: 2024-05-22. Review status: criteria provided, single submitter. Criteria: Ambry Variant Classification Scheme 2023. Collection method: clinical testing. Allele origin: germline.

Myriad Genetics, Inc.
Classification: Benign for Familial adenomatous polyposis 1. Last evaluated: 2024-03-15. Review status: criteria provided, single submitter. Criteria: Myriad Autosomal Dominant, Autosomal Recessive and X-Linked Classification Criteria (2023). Collection method: clinical testing. Allele origin: unknown.
Comment: This variant is considered benign. This variant is a silent/synonymous amino acid change and it is not expected to impact splicing.

Labcorp Genetics (formerly Invitae), Labcorp
Classification: Likely benign for Familial adenomatous polyposis 1. Last evaluated: 2021-02-26. Review status: criteria provided, single submitter. Criteria: Invitae Variant Classification Sherloc (09022015). Collection method: clinical testing. Allele origin: germline.